The following is an entry in ClinVar:

NM_004519.4(KCNQ3):c.2533T>A (p.Phe845Ile)

Gene: KCNQ3 (potassium voltage-gated channel subfamily Q member 3; minus strand). Cytogenetic location: 8q24.22.
Variant type: single nucleotide variant.
Coding change: c.2533T>A on transcript NM_004519.4 (MANE Select); coding-DNA position 2533, T replaced by A.
Protein change: p.Phe845Ile; replaces phenylalanine 845 with isoleucine.
Molecular consequence: missense variant.
Genome position (GRCh38, 1-based): chr8:132,129,348, A>T on the plus strand (T>A on the coding strand, the complement: KCNQ3 is on the minus strand). VCF-style: chr8-132129348-A-T. GRCh37 (hg19) VCF-style: chr8-133141595-A-T.
Other names: c.2173T>A, p.Phe725Ile (NM_001204824.2); short protein forms F845I, F725I.
Identifiers: ClinVar variation 1446031 (VCV001446031.6), dbSNP rs1824775778, ClinGen allele CA372215573.

ClinVar aggregate classification (germline): Uncertain significance (1 of 4 stars; one submission).

Conditions:
Benign neonatal seizures. Also called: Convulsions benign familial neonatal dominant form; Autosomal dominant form of benign neonatal seizures; Benign familial neonatal seizures; Benign neonatal familial convulsions; Benign familial neonatal epilepsy. Identifiers: Orphanet 1949, MedGen C0220669, MONDO:0016027.

gnomAD v4.1: 1 of 1,614,208 alleles (0.000062%); highest among the groups gnomAD compares: Non-Finnish European, 0.000085%; no homozygotes.

Submission:

Labcorp Genetics (formerly Invitae), Labcorp
Classification: Uncertain significance for Benign neonatal seizures. Last evaluated: 2021-12-03. Review status: criteria provided, single submitter. Criteria: Invitae Variant Classification Sherloc (09022015). Collection method: clinical testing. Allele origin: germline.
Comment: In summary, the available evidence is currently insufficient to determine the role of this variant in disease. Therefore, it has been classified as a Variant of Uncertain Significance. Advanced modeling of protein sequence and biophysical properties (such as structural, functional, and spatial information, amino acid conservation, physicochemical variation, residue mobility, and thermodynamic stability) performed at Invitae indicates that this missense variant is not expected to disrupt KCNQ3 protein function. This variant has not been reported in the literature in individuals affected with KCNQ3-related conditions. This variant is not present in population databases (gnomAD no frequency). This sequence change replaces phenylalanine, which is neutral and non-polar, with isoleucine, which is neutral and non-polar, at codon 845 of the KCNQ3 protein (p.Phe845Ile).